The following is an entry in ClinVar:

NM_138691.3(TMC1):c.884C>G (p.Ala295Gly)

Gene: TMC1 (transmembrane channel like 1; plus strand). Cytogenetic location: 9q21.13.
Variant type: single nucleotide variant.
Coding change: c.884C>G on transcript NM_138691.3 (MANE Select); coding-DNA position 884, C replaced by G.
Protein change: p.Ala295Gly; replaces alanine 295 with glycine.
Molecular consequence: missense variant.
Genome position (GRCh38, 1-based): chr9:72,772,555, C>G. VCF-style: chr9-72772555-C-G. GRCh37 (hg19) VCF-style: chr9-75387471-C-G.
Other names: short protein forms A295G.
Identifiers: ClinVar variation 3370359 (VCV003370359.1).

ClinVar aggregate classification (germline): Uncertain significance (1 of 4 stars; one submission).

Conditions:
Autosomal recessive nonsyndromic hearing loss 7. Also called: DEAFNESS, AUTOSOMAL RECESSIVE 11. Identifiers: Orphanet 90636, MedGen C1832978, MONDO:0010967, OMIM 600974.

gnomAD v4.1: 10 of 1,613,552 alleles (0.00062%); highest among the groups gnomAD compares: South Asian, 0.0088%; no homozygotes.

Submission:

MVZ Medizinische Genetik Mainz
Classification: Uncertain significance for Autosomal recessive nonsyndromic hearing loss 7. Last evaluated: 2024-09-26. Review status: criteria provided, single submitter. Criteria: UK Practice Guidelines For Variant Classification V4 01 2020. Collection method: clinical testing. Allele origin: germline. Inheritance: Autosomal recessive inheritance. Affected: yes. Observed: 1 variant allele.
Comment: ACMG Criteria: PM2_SUP,PM3_SUP